The following is an entry in ClinVar:

NM_005188.4(CBL):c.2044C>G (p.Pro682Ala)

Gene: CBL (Cbl proto-oncogene; plus strand). Cytogenetic location: 11q23.3.
Variant type: single nucleotide variant.
Coding change: c.2044C>G on transcript NM_005188.4 (MANE Select); coding-DNA position 2044, C replaced by G.
Protein change: p.Pro682Ala; replaces proline 682 with alanine.
Molecular consequence: missense variant.
Genome position (GRCh38, 1-based): chr11:119,296,925, C>G. VCF-style: chr11-119296925-C-G. GRCh37 (hg19) VCF-style: chr11-119167635-C-G.
Other names: c.2044C>G (NM_005188.2); short protein forms P682A.
Identifiers: ClinVar variation 1473238 (VCV001473238.9), dbSNP rs764430929, ClinGen allele CA6318676.

ClinVar aggregate classification (germline): Uncertain significance. Review status: criteria provided, multiple submitters, no conflicts (2 of 4 stars). 2 submissions from 2 submitters: Uncertain significance (2). Last evaluated 2025-09-20.

Conditions:
Cardiovascular phenotype. Identifiers: MedGen CN230736.
RASopathy. Also called: rasopathies; Noonan spectrum disorder. Identifiers: Orphanet 536391, MedGen C5555857, MONDO:0021060.

Allele frequency attached by ClinVar (database versions not stated): gnomAD exomes below 0.00001; ExAC 0.00001; gnomAD 0.00001; TOPMed 0.00003.

Submissions (2):

Ambry Genetics
Classification: Uncertain significance for Cardiovascular phenotype. Last evaluated: 2025-09-20. Review status: criteria provided, single submitter. Criteria: Ambry Variant Classification Scheme 2023. Collection method: clinical testing. Allele origin: germline.
Comment: The p.P682A variant (also known as c.2044C>G), located in coding exon 13 of the CBL gene, results from a C to G substitution at nucleotide position 2044. The proline at codon 682 is replaced by alanine, an amino acid with highly similar properties. This amino acid position is conserved. In addition, this alteration is predicted to be tolerated by in silico analysis. Based on the available evidence, the clinical significance of this variant remains unclear.

Labcorp Genetics (formerly Invitae), Labcorp
Classification: Uncertain significance for RASopathy. Last evaluated: 2024-11-10. Review status: criteria provided, single submitter. Criteria: Invitae Variant Classification Sherloc (09022015). Collection method: clinical testing. Allele origin: germline.
Comment: This sequence change replaces proline, which is neutral and non-polar, with alanine, which is neutral and non-polar, at codon 682 of the CBL protein (p.Pro682Ala). This variant is present in population databases (rs764430929, gnomAD 0.006%). This variant has not been reported in the literature in individuals affected with CBL-related conditions. ClinVar contains an entry for this variant (Variation ID: 1473238). Invitae Evidence Modeling of protein sequence and biophysical properties (such as structural, functional, and spatial information, amino acid conservation, physicochemical variation, residue mobility, and thermodynamic stability) indicates that this missense variant is not expected to disrupt CBL protein function with a negative predictive value of 95%. In summary, the available evidence is currently insufficient to determine the role of this variant in disease. Therefore, it has been classified as a Variant of Uncertain Significance.